The following is an entry in ClinVar:

ClinVar aggregate classification (germline): Uncertain significance (1 of 4 stars; one submission).

Conditions:
RASopathy. Also called: Noonan spectrum disorder; rasopathies. Identifiers: Orphanet 536391, MedGen C5555857, MONDO:0021060.

Submission:

Labcorp Genetics (formerly Invitae), Labcorp
Classification: Uncertain significance for RASopathy. Last evaluated: 2023-12-16. Review status: criteria provided, single submitter. Criteria: Invitae Variant Classification Sherloc (09022015). Collection method: clinical testing. Allele origin: germline.
Comment: This variant, c.1107_1118del, results in the deletion of 4 amino acid(s) of the CBL protein (p.Leu370_Glu373del), but otherwise preserves the integrity of the reading frame. This variant is not present in population databases (gnomAD no frequency). This variant has not been reported in the literature in individuals affected with CBL-related conditions. Experimental studies and prediction algorithms are not available or were not evaluated, and the functional significance of this variant is currently unknown. In summary, the available evidence is currently insufficient to determine the role of this variant in disease. Therefore, it has been classified as a Variant of Uncertain Significance.

NM_005188.4(CBL):c.1107_1118del (p.Leu370_Glu373del)

Gene: CBL (Cbl proto-oncogene; plus strand). Cytogenetic location: 11q23.3.
Variant type: Deletion.
Coding change: c.1107_1118del on transcript NM_005188.4 (MANE Select); coding-DNA positions 1107 to 1118, 12 bases deleted (ATTATACTGTGA).
Protein change: p.Leu370_Glu373del.
Molecular consequence: inframe deletion.
Genome position (GRCh38, 1-based): chr11:119,278,177-119,278,188, ATTATACTGTGA deleted; deleting any 12 consecutive bases within chr11:119,278,174-119,278,188 gives the same sequence; the c. name uses the placement nearest the transcript's 3' end. VCF-style (leftmost placement, unchanged base first): chr11-119278173-ATGAATTATACTG-A. GRCh37 (hg19) VCF-style: chr11-119148883-ATGAATTATACTG-A.
Identifiers: ClinVar variation 2703612 (VCV002703612.3), dbSNP rs2496939288, ClinGen allele CA2697559051.